The following is an entry in ClinVar:

NM_001082486.2(ACD):c.493+6dup

Gene: ACD (ACD shelterin complex subunit and telomerase recruitment factor; minus strand). Cytogenetic location: 16q22.1.
Variant type: Duplication.
Coding change: c.493+6dup on transcript NM_001082486.2 (MANE Select); 6 bases into the intron after coding-DNA position 493, one base duplicated (G; older notation c.493+6dupG).
Molecular consequence: intron variant.
Genome position (GRCh38, 1-based): chr16:67,659,223, C duplicated on the plus strand (G on the coding strand, the reverse complement: ACD is on the minus strand). VCF-style (leftmost placement, unchanged base first): chr16-67659222-A-AC. GRCh37 (hg19) VCF-style: chr16-67693125-A-AC.
Other names: c.484+6dup (NM_022914.3); c.493+6dup (NM_001410884.1).
Identifiers: ClinVar variation 4733137 (VCV004733137.1).
Genomic context (GRCh38, chr16:67,659,222, plus strand): 5'-GCATAAGGTTAAGGCTGGAGAGATCACTGCACAGCGTGTTAGGATCACTGGTCAAGCTCT[A>AC]CAGTACCTGCATTGGACGAGGTGGACTCTGAAAGGTGCTCCCTACAGGAAGAGAGTGGCC-3'

ClinVar aggregate classification (germline): Uncertain significance (1 of 4 stars; one submission).

Conditions:
Dyskeratosis congenita, autosomal dominant 6 (DKCA6). Identifiers: Orphanet 3322, MedGen C4225284, MONDO:0014690, OMIM 616553.

Submission:

Labcorp Genetics (formerly Invitae), Labcorp
Classification: Uncertain significance for Dyskeratosis congenita, autosomal dominant 6. Last evaluated: 2025-12-19. Review status: criteria provided, single submitter. Criteria: Invitae Variant Classification Sherloc (09022015). Collection method: clinical testing. Allele origin: germline.
Comment: This sequence change falls in intron 6 of the ACD gene. It does not directly change the encoded amino acid sequence of the ACD protein. This variant is not present in population databases (gnomAD no frequency). This variant has not been reported in the literature in individuals affected with ACD-related conditions. Algorithms developed to predict the effect of sequence changes on RNA splicing suggest that this variant may disrupt the consensus splice site. In summary, the available evidence is currently insufficient to determine the role of this variant in disease. Therefore, it has been classified as a Variant of Uncertain Significance.